The following is an entry in ClinVar:

NM_000363.5(TNNI3):c.334T>G (p.Tyr112Asp)

Gene: TNNI3 (troponin I3, cardiac type; minus strand). Cytogenetic location: 19q13.42.
Variant type: single nucleotide variant.
Coding change: c.334T>G on transcript NM_000363.5 (MANE Select); coding-DNA position 334, T replaced by G.
Protein change: p.Tyr112Asp; replaces tyrosine 112 with aspartic acid.
Molecular consequence: missense variant.
Genome position (GRCh38, 1-based): chr19:55,154,779, A>C on the plus strand (T>G on the coding strand, the complement: TNNI3 is on the minus strand). VCF-style: chr19-55154779-A-C. GRCh37 (hg19) VCF-style: chr19-55666147-A-C.
Other names: short protein forms Y112D.
Identifiers: ClinVar variation 4826510 (VCV004826510.2).

ClinVar aggregate classification (germline): Uncertain significance. Review status: criteria provided, multiple submitters, no conflicts (2 of 4 stars). 2 submissions from 2 submitters: Uncertain significance (2). Last evaluated 2026-03-11.

Conditions:
Cardiovascular phenotype. Identifiers: MedGen CN230736.

Submissions (2):

Ambry Genetics
Classification: Uncertain significance for Cardiovascular phenotype. Last evaluated: 2026-03-11. Review status: criteria provided, single submitter. Criteria: Ambry Variant Classification Scheme 2023. Collection method: clinical testing. Allele origin: germline.
Comment: The p.Y112D variant (also known as c.334T>G), located in coding exon 6 of the TNNI3 gene, results from a T to G substitution at nucleotide position 334. The tyrosine at codon 112 is replaced by aspartic acid, an amino acid with highly dissimilar properties. This amino acid position is conserved. In addition, this alteration is predicted to be deleterious by in silico analysis. Based on the available evidence, the clinical significance of this variant remains unclear.

GeneDx
Classification: Uncertain significance. Last evaluated: 2026-03-09. Review status: criteria provided, single submitter. Criteria: GeneDx Variant Classification Process June 2021. Collection method: clinical testing. Allele origin: germline.
Comment: Not observed at significant frequency in large population cohorts (gnomAD); In silico analysis supports that this missense variant has a deleterious effect on protein structure/function; Has not been previously published as pathogenic or benign to our knowledge